The following is an entry in ClinVar:

ClinVar aggregate classification (germline): Benign/Likely benign. Review status: criteria provided, multiple submitters, no conflicts (2 of 4 stars). 2 submissions from 2 submitters: Benign (1); Likely benign (1). Last evaluated 2025-02-25.

Conditions:
Breast-ovarian cancer, familial, susceptibility to, 4. Identifiers: Orphanet 145, MedGen C3280345, MONDO:0013669, OMIM 614291.

Submissions (2):

Myriad Genetics, Inc.
Classification: Benign for Breast-ovarian cancer, familial, susceptibility to, 4. Last evaluated: 2025-02-25. Review status: criteria provided, single submitter. Criteria: Myriad Autosomal Dominant, Autosomal Recessive and X-Linked Classification Criteria (2023). Collection method: clinical testing. Allele origin: unknown.
Comment: This variant is considered benign. This variant is a silent/synonymous amino acid change and it is not expected to impact splicing.

Labcorp Genetics (formerly Invitae), Labcorp
Classification: Likely benign for Breast-ovarian cancer, familial, susceptibility to, 4. Last evaluated: 2021-10-11. Review status: criteria provided, single submitter. Criteria: Invitae Variant Classification Sherloc (09022015). Collection method: clinical testing. Allele origin: germline.

NM_002878.4(RAD51D):c.948C>G (p.Thr316=)

Genes: RAD51D (RAD51 paralog D; minus strand), RAD51L3-RFFL (RAD51L3-RFFL readthrough; minus strand). Cytogenetic location: 17q12.
Variant type: single nucleotide variant.
Coding change: c.948C>G on transcript NM_002878.4 (MANE Select); coding-DNA position 948, C replaced by G.
Protein change: p.Thr316=; no amino-acid change (threonine 316 retained).
Molecular consequence: synonymous variant. On other transcripts: non-coding transcript variant (2).
Genome position (GRCh38, 1-based): chr17:35,100,992, G>C on the plus strand (C>G on the coding strand, the complement: RAD51D is on the minus strand). VCF-style: chr17-35100992-G-C. GRCh37 (hg19) VCF-style: chr17-33428011-G-C.
Other names: c.1008C>G, p.Thr336= (NM_001142571.2); c.612C>G, p.Thr204= (NM_133629.3).
Identifiers: ClinVar variation 1576230 (VCV001576230.9), dbSNP rs1195107125, ClinGen allele CA499728593.